The following is an entry in ClinVar:

ClinVar aggregate classification (germline): Likely benign (1 of 4 stars; one submission).

Allele frequency attached by ClinVar (database versions not stated): gnomAD exomes 0.00118 and 0.00297; ExAC 0.00463; 1000 Genomes Project 30x 0.01156; 1000 Genomes Project 0.01158; gnomAD 0.01240 and 0.01352; TOPMed 0.01356; ESP Exome Variant Server 0.01469.

Submission:

GeneDx
Classification: Likely benign. Last evaluated: 2018-06-14. Review status: criteria provided, single submitter. Criteria: GeneDx Variant Classification (06012015). Collection method: clinical testing. Allele origin: germline. Affected: yes.
Comment: This variant is considered likely benign or benign based on one or more of the following criteria: it is a conservative change, it occurs at a poorly conserved position in the protein, it is predicted to be benign by multiple in silico algorithms, and/or has population frequency not consistent with disease.

NM_213649.2(SFXN4):c.538-51C>T

Gene: SFXN4 (sideroflexin 4; minus strand). Cytogenetic location: 10q26.11.
Variant type: single nucleotide variant.
Coding change: c.538-51C>T on transcript NM_213649.2 (MANE Select); 51 bases into the intron before coding-DNA position 538, C replaced by T.
Molecular consequence: intron variant.
Genome position (GRCh38, 1-based): chr10:119,156,807, G>A on the plus strand (C>T on the coding strand, the complement: SFXN4 is on the minus strand). VCF-style: chr10-119156807-G-A. GRCh37 (hg19) VCF-style: chr10-120916319-G-A.
Identifiers: ClinVar variation 678891 (VCV000678891.1), dbSNP rs57408704, ClinGen allele CA5714485.